The following is an entry in ClinVar:

NM_001378.3(DYNC1I2):c.1046T>G (p.Val349Gly)

Gene: DYNC1I2 (dynein cytoplasmic 1 intermediate chain 2; plus strand). Cytogenetic location: 2q31.1.
Variant type: single nucleotide variant.
Coding change: c.1046T>G on transcript NM_001378.3 (MANE Select); coding-DNA position 1046, T replaced by G.
Protein change: p.Val349Gly; replaces valine 349 with glycine.
Molecular consequence: missense variant.
Genome position (GRCh38, 1-based): chr2:171,727,870, T>G. VCF-style: chr2-171727870-T-G. GRCh37 (hg19) VCF-style: chr2-172584380-T-G.
Other names: c.1046T>G, p.Val349Gly (NM_001271785.2); c.1022T>G, p.Val341Gly (NM_001271786.2, NM_001271787.2); c.968T>G, p.Val323Gly (NM_001271788.2, NM_001271789.2, NM_001271790.2 and 1 more transcripts); c.1028T>G, p.Val343Gly (NM_001320882.2, NM_001320883.2, NM_001378455.1 and 1 more transcripts); short protein forms V349G, V323G, V341G, V343G.
Identifiers: ClinVar variation 2515102 (VCV002515102.5), dbSNP rs201982509, ClinGen allele CA1965774.

ClinVar aggregate classification (germline): Uncertain significance. Review status: criteria provided, multiple submitters, no conflicts (2 of 4 stars). 2 submissions from 2 submitters: Uncertain significance (2). Last evaluated 2025-07-01.

Conditions:
Neurodevelopmental disorder with microcephaly and structural brain anomalies. Identifiers: Orphanet 699844, MedGen C5193123, MONDO:0032779, OMIM 618492.

Allele frequency attached by ClinVar (database versions not stated): ExAC 0.00023; gnomAD 0.00024; ESP Exome Variant Server 0.00042.
gnomAD v4.1: 418 of 1,612,984 alleles (0.026%); highest among the groups gnomAD compares: South Asian, 0.03%; no homozygotes.

Submissions (2):

Ambry Genetics
Classification: Uncertain significance. Last evaluated: 2025-07-01. Review status: criteria provided, single submitter. Criteria: Ambry Variant Classification Scheme 2023. Collection method: clinical testing. Allele origin: germline.

Juno Genomics, Hangzhou Juno Genomics, Inc
Classification: Uncertain significance for Neurodevelopmental disorder with microcephaly and structural brain anomalies. Review status: criteria provided, single submitter. Criteria: ACMG Guidelines, 2015. Collection method: clinical testing. Allele origin: germline.
Comment: Absent from controls (or at extremely low frequency if recessive) in Genome Aggregation Database.;Multiple lines of computational evidence support a deleterious effect on the gene or gene product.